The following is an entry in ClinVar:

NM_001267550.2(TTN):c.69303A>T (p.Ala23101=)

Genes: TTN (titin; minus strand), TTN-AS1 (TTN antisense RNA 1; plus strand). Cytogenetic location: 2q31.2.
Variant type: single nucleotide variant.
Coding change: c.69303A>T on transcript NM_001267550.2 (MANE Select); coding-DNA position 69303, A replaced by T.
Protein change: p.Ala23101=; no amino-acid change (alanine 23101 retained).
Molecular consequence: synonymous variant.
Genome position (GRCh38, 1-based): chr2:178,577,032, T>A on the plus strand (A>T on the coding strand, the complement: TTN is on the minus strand). VCF-style: chr2-178577032-T-A. GRCh37 (hg19) VCF-style: chr2-179441759-T-A.
Other names: c.64380A>T, p.Ala21460= (NM_001256850.1); c.42108A>T, p.Ala14036= (NM_003319.4); c.61599A>T, p.Ala20533= (NM_133378.4); c.42483A>T, p.Ala14161= (NM_133432.3); c.42684A>T, p.Ala14228= (NM_133437.4).
Identifiers: ClinVar variation 3390094 (VCV003390094.14).
Genomic context (GRCh38, chr2:178,577,032, plus strand): 5'-GCCATAGTGGTTTACAGCTGAGACCCGGAAGATGTACTCATTTCCTTGGATAAGTTTGGT[T>A]GCCACATGCCTGCAAGACTGAATATCTTCAGAAACCACTGTCCACAAAAGTCGGCTGGTT-3'
Protein context (NP_001254479.2, residues 23091-23111): SEDIQSCRHV[Ala23101=]TKLIQGNEYI

ClinVar aggregate classification (germline): Likely benign (1 of 4 stars; one submission).

Submission:

CeGaT Center for Human Genetics Tuebingen
Classification: Likely benign. Last evaluated: 2024-11-01. Review status: criteria provided, single submitter. Criteria: CeGaT Center For Human Genetics Tuebingen Variant Classification Criteria Version 2. Collection method: clinical testing. Allele origin: germline. Affected: yes. Observed: 1 variant allele.
Comment: TTN: PM2:Supporting, BP4, BP7